The following is an entry in ClinVar:

ClinVar aggregate classification (germline): Uncertain significance (1 of 4 stars; one submission).

Conditions:
Early-infantile DEE. Also called: Ohtahara syndrome; Early infantile epileptic encephalopathy; Early infantile epileptic encephalopathy with suppression bursts. Identifiers: Orphanet 1934, MedGen C0393706, MONDO:0800491.

gnomAD v4.1: 1 of 1,607,982 alleles (0.000062%); no homozygotes.

Submission:

Labcorp Genetics (formerly Invitae), Labcorp
Classification: Uncertain significance for Early-infantile DEE. Last evaluated: 2022-08-28. Review status: criteria provided, single submitter. Criteria: Invitae Variant Classification Sherloc (09022015). Collection method: clinical testing. Allele origin: germline.
Comment: This sequence change replaces arginine, which is basic and polar, with glycine, which is neutral and non-polar, at codon 780 of the ARHGEF15 protein (p.Arg780Gly). This variant is not present in population databases (gnomAD no frequency). This variant has not been reported in the literature in individuals affected with ARHGEF15-related conditions. Algorithms developed to predict the effect of missense changes on protein structure and function output the following: SIFT: "Tolerated"; PolyPhen-2: "Benign"; Align-GVGD: "Class C0". The glycine amino acid residue is found in multiple mammalian species, which suggests that this missense change does not adversely affect protein function. In summary, the available evidence is currently insufficient to determine the role of this variant in disease. Therefore, it has been classified as a Variant of Uncertain Significance.

NM_173728.4(ARHGEF15):c.2338A>G (p.Arg780Gly)

Gene: ARHGEF15 (Rho guanine nucleotide exchange factor 15; plus strand). Cytogenetic location: 17p13.1.
Variant type: single nucleotide variant.
Coding change: c.2338A>G on transcript NM_173728.4 (MANE Select); coding-DNA position 2338, A replaced by G.
Protein change: p.Arg780Gly; replaces arginine 780 with glycine.
Molecular consequence: missense variant.
Genome position (GRCh38, 1-based): chr17:8,319,567, A>G. VCF-style: chr17-8319567-A-G. GRCh37 (hg19) VCF-style: chr17-8222885-A-G.
Other names: c.2338A>G, p.Arg780Gly (NM_025014.2); short protein forms R780G.
Identifiers: ClinVar variation 1937597 (VCV001937597.5), dbSNP rs2543951140, ClinGen allele CA398025802.
Genomic context (GRCh38, chr17:8,319,567, plus strand): 5'-CAGGAACTGTGTTCAGAGTCGTCTGCACCTGCCAAGACTGAAGGACGGAGTCTGGAGTCC[A>G]GGGCTGCCCCCAAACACCTGCACAAGACCCCTGAAGGTGAGAAAGTCTTTCATTTATTTA-3'
Protein context (NP_776089.2, residues 770-790): AKTEGRSLES[Arg780Gly]AAPKHLHKTP